The following is an entry in ClinVar:

ClinVar aggregate classification (germline): Pathogenic/Likely pathogenic. Review status: criteria provided, multiple submitters, no conflicts (2 of 4 stars). 5 submissions from 5 submitters: Pathogenic (2); Likely pathogenic (1). 2 of the submissions do not count toward it. Last evaluated 2024-11-08.

Conditions:
Cystinuria (CSNU). Also called: CYSTINURIA, TYPE I; CYSTINURIA, TYPE II; CYSTINURIA, TYPE III; Cystinuria, non-type I. Identifiers: Orphanet 214, MedGen C0010691, MONDO:0009067, OMIM 220100, HP:0003131.
SLC3A1-related disorder. Also called: SLC3A1-related condition.

gnomAD v4.1: 20 of 1,613,792 alleles (0.0012%); highest among the groups gnomAD compares: African/African-American, 0.004%; no homozygotes.

Submissions (5):

Labcorp Genetics (formerly Invitae), Labcorp
Classification: Pathogenic for Cystinuria. Last evaluated: 2024-11-08. Review status: criteria provided, single submitter. Criteria: Invitae Variant Classification Sherloc (09022015). Collection method: clinical testing. Allele origin: germline.
Comment: This sequence change replaces serine, which is neutral and polar, with leucine, which is neutral and non-polar, at codon 455 of the SLC3A1 protein (p.Ser455Leu). This variant is present in population databases (no rsID available, gnomAD 0.007%). This missense change has been observed in individual(s) with cystinuria (PMID: 26540609, 36571637). In at least one individual the data is consistent with being in trans (on the opposite chromosome) from a pathogenic variant. It has also been observed to segregate with disease in related individuals. Invitae Evidence Modeling of protein sequence and biophysical properties (such as structural, functional, and spatial information, amino acid conservation, physicochemical variation, residue mobility, and thermodynamic stability) has been performed for this missense variant. However, the output from this modeling did not meet the statistical confidence thresholds required to predict the impact of this variant on SLC3A1 protein function. For these reasons, this variant has been classified as Pathogenic.

Fulgent Genetics
Classification: Likely pathogenic for Cystinuria. Last evaluated: 2024-04-09. Review status: criteria provided, single submitter. Criteria: ACMG Guidelines, 2015. Collection method: clinical testing. Allele origin: germline.

Blueprint Genetics
Classification: Pathogenic for SLC3A1-related disorders. Last evaluated: 2018-09-17. Review status: criteria provided, single submitter. Criteria: ACMG Guidelines, 2015. Collection method: clinical testing. Allele origin: germline. Affected: yes. Observed: 1 variant allele.

Chinese Inherited Urolithiasis Consortium, The Affiliated Yantai Yuhuangding Hospital of Qingdao University
Classification: Likely pathogenic for Cystinuria. Last evaluated: 2024-08-26. Review status: no assertion criteria provided. Collection method: clinical testing. Allele origin: paternal, maternal. Affected: yes. Observed: 2 variant alleles. Not counted in ClinVar's aggregate classification.

Yan Lab, Department of Urology, Pediatric Urolith Center, National Clinical Research Center for Child Health, The Children’s Hospital of Zhejiang University School of Medicine
Classification: Likely pathogenic for Cystinuria. Review status: no assertion criteria provided. Collection method: research. Allele origin: germline. Affected: no. Not counted in ClinVar's aggregate classification.

Literature cited by the submitters: PubMed 26540609 (cited by Labcorp Genetics (formerly Invitae), Labcorp); PubMed 36571637 (cited by Labcorp Genetics (formerly Invitae), Labcorp).

NM_000341.4(SLC3A1):c.1364C>T (p.Ser455Leu)

Gene: SLC3A1 (solute carrier family 3 member 1; plus strand). Cytogenetic location: 2p21.
Variant type: single nucleotide variant.
Coding change: c.1364C>T on transcript NM_000341.4 (MANE Select); coding-DNA position 1364, C replaced by T.
Protein change: p.Ser455Leu; replaces serine 455 with leucine.
Molecular consequence: missense variant.
Genome position (GRCh38, 1-based): chr2:44,312,617, C>T. VCF-style: chr2-44312617-C-T. GRCh37 (hg19) VCF-style: chr2-44539756-C-T.
Other names: short protein forms S455L.
Identifiers: ClinVar variation 3359209 (VCV003359209.8).